The following is an entry in ClinVar:

NM_001378969.1(KCND3):c.1417G>A (p.Glu473Lys)

Gene: KCND3 (potassium voltage-gated channel subfamily D member 3; minus strand). Cytogenetic location: 1p13.2.
Variant type: single nucleotide variant.
Coding change: c.1417G>A on transcript NM_001378969.1 (MANE Select); coding-DNA position 1417, G replaced by A.
Protein change: p.Glu473Lys; replaces glutamic acid 473 with lysine.
Molecular consequence: missense variant.
Genome position (GRCh38, 1-based): chr1:111,780,269, C>T on the plus strand (G>A on the coding strand, the complement: KCND3 is on the minus strand). VCF-style: chr1-111780269-C-T. GRCh37 (hg19) VCF-style: chr1-112322891-C-T.
Other names: c.1417G>A, p.Glu473Lys (NM_001378970.1, NM_004980.5, NM_172198.3); short protein forms E473K.
Identifiers: ClinVar variation 1772163 (VCV001772163.3), dbSNP rs974769346, ClinGen allele CA28899967.

ClinVar aggregate classification (germline): Conflicting classifications of pathogenicity. Review status: criteria provided, conflicting classifications (1 of 4 stars). 2 submissions from 2 submitters: Uncertain significance (1); Likely benign (1). Last evaluated 2025-09-23.

Conditions:
Spinocerebellar ataxia type 19/22 (SCA19). Also called: SPINOCEREBELLAR ATAXIA 19; SPINOCEREBELLAR ATAXIA 22. Identifiers: Orphanet 98772, MedGen C1846367, MONDO:0011819, OMIM 607346.
Cardiovascular phenotype. Identifiers: MedGen CN230736.

Allele frequency attached by ClinVar (database versions not stated): gnomAD exomes below 0.00001; gnomAD 0.00001; TOPMed 0.00001.
gnomAD v4.1: 7 of 1,587,910 alleles (0.00044%); highest among the groups gnomAD compares: South Asian, 0.0035%; no homozygotes.

Submissions (2):

Labcorp Genetics (formerly Invitae), Labcorp
Classification: Likely benign for Spinocerebellar ataxia type 19/22. Last evaluated: 2025-09-23. Review status: criteria provided, single submitter. Criteria: Invitae Variant Classification Sherloc (09022015). Collection method: clinical testing. Allele origin: germline.

Ambry Genetics
Classification: Uncertain significance for Cardiovascular phenotype. Last evaluated: 2020-12-02. Review status: criteria provided, single submitter. Criteria: Ambry Variant Classification Scheme 2023. Collection method: clinical testing. Allele origin: germline.
Comment: The p.E473K variant (also known as c.1417G>A), located in coding exon 4 of the KCND3 gene, results from a G to A substitution at nucleotide position 1417. The glutamic acid at codon 473 is replaced by lysine, an amino acid with similar properties. This amino acid position is highly conserved in available vertebrate species. In addition, this alteration is predicted to be deleterious by in silico analysis. Since supporting evidence is limited at this time, the clinical significance of this alteration remains unclear.